The following is an entry in ClinVar:

NM_002439.5(MSH3):c.854T>A (p.Ile285Lys)

Gene: MSH3 (mutS homolog 3; plus strand). Cytogenetic location: 5q14.1.
Variant type: single nucleotide variant.
Coding change: c.854T>A on transcript NM_002439.5 (MANE Select); coding-DNA position 854, T replaced by A.
Protein change: p.Ile285Lys; replaces isoleucine 285 with lysine.
Molecular consequence: missense variant.
Genome position (GRCh38, 1-based): chr5:80,672,305, T>A. VCF-style: chr5-80672305-T-A. GRCh37 (hg19) VCF-style: chr5-79968124-T-A.
Other names: short protein forms I285K.
Identifiers: ClinVar variation 1348033 (VCV001348033.6), dbSNP rs2112813808, ClinGen allele CA360267187.

ClinVar aggregate classification (germline): Uncertain significance (1 of 4 stars; one submission).

Submission:

Labcorp Genetics (formerly Invitae), Labcorp
Classification: Uncertain significance. Last evaluated: 2021-10-29. Review status: criteria provided, single submitter. Criteria: Invitae Variant Classification Sherloc (09022015). Collection method: clinical testing. Allele origin: germline.
Comment: In summary, the available evidence is currently insufficient to determine the role of this variant in disease. Therefore, it has been classified as a Variant of Uncertain Significance. Algorithms developed to predict the effect of missense changes on protein structure and function (SIFT, PolyPhen-2, Align-GVGD) all suggest that this variant is likely to be disruptive. This variant is not present in population databases (gnomAD no frequency). This variant has not been reported in the literature in individuals affected with MSH3-related conditions. This sequence change replaces isoleucine, which is neutral and non-polar, with lysine, which is basic and polar, at codon 285 of the MSH3 protein (p.Ile285Lys).